The following is an entry in ClinVar:

ClinVar aggregate classification (germline): Uncertain significance. Review status: criteria provided, multiple submitters, no conflicts (2 of 4 stars). 2 submissions from 2 submitters: Uncertain significance (2). Last evaluated 2025-12-02.

Allele frequency attached by ClinVar (database versions not stated): gnomAD 0.00004; TOPMed 0.00006; ESP Exome Variant Server 0.00015.
gnomAD v4.1: 43 of 1,613,684 alleles (0.0027%); highest among the groups gnomAD compares: Admixed American, 0.023%; no homozygotes.

Submissions (2):

Labcorp Genetics (formerly Invitae), Labcorp
Classification: Uncertain significance. Last evaluated: 2025-12-02. Review status: criteria provided, single submitter. Criteria: Invitae Variant Classification Sherloc (09022015). Collection method: clinical testing. Allele origin: germline.
Comment: This sequence change replaces isoleucine, which is neutral and non-polar, with methionine, which is neutral and non-polar, at codon 1781 of the FBN3 protein (p.Ile1781Met). This variant is present in population databases (rs144017976, gnomAD 0.03%). This variant has not been reported in the literature in individuals affected with FBN3-related conditions. ClinVar contains an entry for this variant (Variation ID: 2182331). Invitae Evidence Modeling of protein sequence and biophysical properties (such as structural, functional, and spatial information, amino acid conservation, physicochemical variation, residue mobility, and thermodynamic stability) indicates that this missense variant is not expected to disrupt FBN3 protein function with a negative predictive value of 80%. In summary, the available evidence is currently insufficient to determine the role of this variant in disease. Therefore, it has been classified as a Variant of Uncertain Significance.

Ambry Genetics
Classification: Uncertain significance. Last evaluated: 2023-10-02. Review status: criteria provided, single submitter. Criteria: Ambry Variant Classification Scheme 2023. Collection method: clinical testing. Allele origin: germline.

NM_032447.5(FBN3):c.5343C>G (p.Ile1781Met)

Gene: FBN3 (fibrillin 3; minus strand). Cytogenetic location: 19p13.2.
Variant type: single nucleotide variant.
Coding change: c.5343C>G on transcript NM_032447.5 (MANE Select); coding-DNA position 5343, C replaced by G.
Protein change: p.Ile1781Met; replaces isoleucine 1781 with methionine.
Molecular consequence: missense variant.
Genome position (GRCh38, 1-based): chr19:8,096,951, G>C on the plus strand (C>G on the coding strand, the complement: FBN3 is on the minus strand). VCF-style: chr19-8096951-G-C. GRCh37 (hg19) VCF-style: chr19-8161835-G-C.
Other names: c.5343C>G, p.Ile1781Met (NM_001321431.2); c.5343C>G (NM_032447.3); short protein forms I1781M.
Identifiers: ClinVar variation 2182331 (VCV002182331.5), dbSNP rs144017976, ClinGen allele CA9151698.